The following is an entry in ClinVar:

ClinVar aggregate classification (germline): Uncertain significance (1 of 4 stars; one submission).

Conditions:
Fanconi anemia complementation group O. Also called: RAD51C-Related Fanconi Anemia. Identifiers: Orphanet 84, MedGen C3150653, MONDO:0013248, OMIM 613390.

Submission:

Labcorp Genetics (formerly Invitae), Labcorp
Classification: Uncertain significance for Fanconi anemia complementation group O. Last evaluated: 2024-01-30. Review status: criteria provided, single submitter. Criteria: Invitae Variant Classification Sherloc (09022015). Collection method: clinical testing. Allele origin: unknown.
Comment: This variant results in a copy number gain of the genomic region encompassing exon(s) 1-7 of the RAD51C gene. This region includes the initiator codon of the gene. This copy number gain extends beyond the assayed region for this gene and therefore may encompass additional genes. As the precise location of this event is unknown, it may be in tandem or it may be located elsewhere in the genome. A similar copy number variant has been observed in individual(s) with basal cell carcinoma, breast cancer, and/or ovarian cancer (PMID: 28802053). Experimental studies and prediction algorithms are not available or were not evaluated, and the functional significance of this variant is currently unknown. In summary, the available evidence is currently insufficient to determine the role of this variant in disease. Therefore, it has been classified as a Variant of Uncertain Significance.

Literature cited by the submitters: PubMed 28802053.

NC_000017.10:g.(?_56770005)_(56801481_?)dup

Gene: RAD51C (RAD51 paralog C; plus strand). Cytogenetic location: 17q22.
Variant type: Duplication.
Identifiers: ClinVar variation 3243090 (VCV003243090.1).